The following is an entry in ClinVar:

ClinVar aggregate classification (germline): Pathogenic (1 of 4 stars; one submission).

Submission:

Labcorp Genetics (formerly Invitae), Labcorp
Classification: Pathogenic. Last evaluated: 2022-02-04. Review status: criteria provided, single submitter. Criteria: Invitae Variant Classification Sherloc (09022015). Collection method: clinical testing. Allele origin: germline.
Comment: For these reasons, this variant has been classified as Pathogenic. This variant has not been reported in the literature in individuals affected with ABCB11-related conditions. This variant is not present in population databases (gnomAD no frequency). This sequence change creates a premature translational stop signal (p.Tyr981Serfs*26) in the ABCB11 gene. It is expected to result in an absent or disrupted protein product. Loss-of-function variants in ABCB11 are known to be pathogenic (PMID: 18395098, 20232290).

Literature cited by the submitters: PubMed 18395098; PubMed 20232290.

NM_003742.4(ABCB11):c.2942del (p.Tyr981fs)

Gene: ABCB11 (ATP binding cassette subfamily B member 11; minus strand). Cytogenetic location: 2q31.1.
Variant type: Deletion.
Coding change: c.2942del on transcript NM_003742.4 (MANE Select); coding-DNA position 2942, one base deleted (A; older notation c.2942delA).
Protein change: p.Tyr981fs; shifts the reading frame from tyrosine 981.
Molecular consequence: frameshift variant.
Genome position (GRCh38, 1-based): chr2:168,935,298, T deleted on the plus strand (A on the coding strand, the reverse complement: ABCB11 is on the minus strand). VCF-style (leftmost placement, unchanged base first): chr2-168935297-GT-G. GRCh37 (hg19) VCF-style: chr2-169791807-GT-G.
Other names: short protein forms Y981fs.
Identifiers: ClinVar variation 2092915 (VCV002092915.4), dbSNP rs2545266580, ClinGen allele CA2580064384.